The following is an entry in ClinVar:

NM_207122.2(EXT2):c.1646T>C (p.Leu549Pro)

Gene: EXT2 (exostosin glycosyltransferase 2; plus strand). Cytogenetic location: 11p11.2.
Variant type: single nucleotide variant.
Coding change: c.1646T>C on transcript NM_207122.2 (MANE Select); coding-DNA position 1646, T replaced by C.
Protein change: p.Leu549Pro; replaces leucine 549 with proline.
Molecular consequence: missense variant.
Genome position (GRCh38, 1-based): chr11:44,206,943, T>C. VCF-style: chr11-44206943-T-C. GRCh37 (hg19) VCF-style: chr11-44228493-T-C.
Other names: c.1745T>C, p.Leu582Pro (NM_000401.3); c.1676T>C, p.Leu559Pro (NM_001178083.3); c.1646T>C, p.Leu549Pro (NM_001389628.1, NM_001389630.1); short protein forms L549P, L559P, L582P.
Identifiers: ClinVar variation 4770609 (VCV004770609.1).
Genomic context (GRCh38, chr11:44,206,943, plus strand): 5'-TCGAGACAGAAGCTGTTCTGGCCATTGATGATGATATCATTATGCTGACCTCTGACGAGC[T>C]GCAATTTGGTTATGAGGTAAGGAGGTTTTACACAGTGTGTTTATATGTTTAATATTACTT-3'
Protein context (NP_997005.1, residues 539-559): DDIIMLTSDE[Leu549Pro]QFGYEVWREF

ClinVar aggregate classification (germline): Uncertain significance (1 of 4 stars; one submission).

Conditions:
Exostoses, multiple, type 2 (EXT2). Also called: Hereditary Multiple Osteochondromatosis, Type II; EXOSTOSES, MULTIPLE, TYPE II. Identifiers: Orphanet 321, MedGen C1851413, MONDO:0007586, OMIM 133701.

Submission:

Labcorp Genetics (formerly Invitae), Labcorp
Classification: Uncertain significance for Exostoses, multiple, type 2. Last evaluated: 2025-12-13. Review status: criteria provided, single submitter. Criteria: Invitae Variant Classification Sherloc (09022015). Collection method: clinical testing. Allele origin: germline.
Comment: This sequence change replaces leucine, which is neutral and non-polar, with proline, which is neutral and non-polar, at codon 549 of the EXT2 protein (p.Leu549Pro). This variant is not present in population databases (gnomAD no frequency). This variant has not been reported in the literature in individuals affected with EXT2-related conditions. Invitae Evidence Modeling of protein sequence and biophysical properties (such as structural, functional, and spatial information, amino acid conservation, physicochemical variation, residue mobility, and thermodynamic stability) has been performed for this missense variant. However, the output from this modeling did not meet the statistical confidence thresholds required to predict the impact of this variant on EXT2 protein function. In summary, the available evidence is currently insufficient to determine the role of this variant in disease. Therefore, it has been classified as a Variant of Uncertain Significance.